The following is an entry in ClinVar:

NM_001035.3(RYR2):c.11480A>C (p.Glu3827Ala)

Gene: RYR2 (ryanodine receptor 2; plus strand). Cytogenetic location: 1q43.
Variant type: single nucleotide variant.
Coding change: c.11480A>C on transcript NM_001035.3 (MANE Select); coding-DNA position 11480, A replaced by C.
Protein change: p.Glu3827Ala; replaces glutamic acid 3827 with alanine.
Molecular consequence: missense variant.
Genome position (GRCh38, 1-based): chr1:237,770,810, A>C. VCF-style: chr1-237770810-A-C. GRCh37 (hg19) VCF-style: chr1-237934110-A-C.
Other names: c.11480A>C (NM_001035.2); short protein forms E3827A.
Identifiers: ClinVar variation 1491217 (VCV001491217.8), dbSNP rs1446930267, ClinGen allele CA345406583.

ClinVar aggregate classification (germline): Uncertain significance. Review status: criteria provided, multiple submitters, no conflicts (2 of 4 stars). 2 submissions from 2 submitters: Uncertain significance (2). Last evaluated 2026-07-06.

Conditions:
Cardiovascular phenotype. Identifiers: MedGen CN230736.
Catecholaminergic polymorphic ventricular tachycardia 1. Also called: VENTRICULAR TACHYCARDIA, CATECHOLAMINERGIC POLYMORPHIC, 1, WITH OR WITHOUT ATRIAL DYSFUNCTION AND/OR DILATED CARDIOMYOPATHY; RYR2-Related Catecholaminergic Polymorphic Ventricular Tachycardia; VENTRICULAR TACHYCARDIA, STRESS-INDUCED POLYMORPHIC 1. Identifiers: Orphanet 3286, MedGen C1631597, MONDO:0011484, OMIM 604772.

Allele frequency attached by ClinVar (database versions not stated): gnomAD exomes 0.00001.
gnomAD v4.1: 2 of 1,548,818 alleles (0.00013%); highest among the groups gnomAD compares: South Asian, 0.0012%; no homozygotes.

Submissions (2):

Ambry Genetics
Classification: Uncertain significance for Cardiovascular phenotype. Last evaluated: 2026-07-06. Review status: criteria provided, single submitter. Criteria: Ambry Variant Classification Scheme 2023. Collection method: clinical testing. Allele origin: germline.
Comment: The p.E3827A variant (also known as c.11480A>C), located in coding exon 85 of the RYR2 gene, results from an A to C substitution at nucleotide position 11480. The glutamic acid at codon 3827 is replaced by alanine, an amino acid with dissimilar properties. This amino acid position is conserved. In addition, this alteration is predicted to be deleterious by in silico analysis. Based on the available evidence, the clinical significance of this variant remains unclear.

Labcorp Genetics (formerly Invitae), Labcorp
Classification: Uncertain significance for Catecholaminergic polymorphic ventricular tachycardia 1. Last evaluated: 2021-11-27. Review status: criteria provided, single submitter. Criteria: Invitae Variant Classification Sherloc (09022015). Collection method: clinical testing. Allele origin: germline.
Comment: This sequence change replaces glutamic acid, which is acidic and polar, with alanine, which is neutral and non-polar, at codon 3827 of the RYR2 protein (p.Glu3827Ala). This variant is present in population databases (no rsID available, gnomAD 0.004%). This variant has not been reported in the literature in individuals affected with RYR2-related conditions. Advanced modeling of protein sequence and biophysical properties (such as structural, functional, and spatial information, amino acid conservation, physicochemical variation, residue mobility, and thermodynamic stability) performed at Invitae indicates that this missense variant is expected to disrupt RYR2 protein function. In summary, the available evidence is currently insufficient to determine the role of this variant in disease. Therefore, it has been classified as a Variant of Uncertain Significance.